The following is an entry in ClinVar:

NM_000478.6(ALPL):c.401C>G (p.Thr134Ser)

Gene: ALPL (alkaline phosphatase, biomineralization associated; plus strand). Cytogenetic location: 1p36.12.
Variant type: single nucleotide variant.
Coding change: c.401C>G on transcript NM_000478.6 (MANE Select); coding-DNA position 401, C replaced by G.
Protein change: p.Thr134Ser; replaces threonine 134 with serine.
Molecular consequence: missense variant.
Genome position (GRCh38, 1-based): chr1:21,563,213, C>G. VCF-style: chr1-21563213-C-G. GRCh37 (hg19) VCF-style: chr1-21889706-C-G.
Other names: c.236C>G, p.Thr79Ser (NM_001127501.4); c.170C>G, p.Thr57Ser (NM_001177520.3); c.401C>G, p.Thr134Ser (NM_001369803.2, NM_001369804.2, NM_001369805.2); short protein forms T57S, T134S, T79S.
Identifiers: ClinVar variation 3633517 (VCV003633517.2).

ClinVar aggregate classification (germline): Likely pathogenic (1 of 4 stars; one submission).

Submission:

Labcorp Genetics (formerly Invitae), Labcorp
Classification: Likely pathogenic. Last evaluated: 2024-02-16. Review status: criteria provided, single submitter. Criteria: Invitae Variant Classification Sherloc (09022015). Collection method: clinical testing. Allele origin: germline.
Comment: This sequence change replaces threonine, which is neutral and polar, with serine, which is neutral and polar, at codon 134 of the ALPL protein (p.Thr134Ser). This variant is not present in population databases (gnomAD no frequency). This variant has not been reported in the literature in individuals affected with ALPL-related conditions. Advanced modeling of protein sequence and biophysical properties (such as structural, functional, and spatial information, amino acid conservation, physicochemical variation, residue mobility, and thermodynamic stability) performed at Invitae indicates that this missense variant is expected to disrupt ALPL protein function with a positive predictive value of 95%. This variant disrupts the p.Thr134 amino acid residue in ALPL. Other variant(s) that disrupt this residue have been determined to be pathogenic (PMID: 11855933, 17409132, 18386808, 18925618, 19335222). This suggests that this residue is clinically significant, and that variants that disrupt this residue are likely to be disease-causing. In summary, the currently available evidence indicates that the variant is pathogenic, but additional data are needed to prove that conclusively. Therefore, this variant has been classified as Likely Pathogenic.

Literature cited by the submitters: PubMed 11855933; PubMed 17409132; PubMed 18386808; PubMed 18925618; PubMed 19335222.